The following is an entry in ClinVar:

ClinVar aggregate classification (germline): Likely benign (0 of 4 stars; one submission).

Conditions:
ROBO2-related disorder. Also called: ROBO2-related condition.

Submission:

PreventionGenetics, part of Exact Sciences
Classification: Likely benign for ROBO2-related condition. Last evaluated: 2023-04-11. Review status: no assertion criteria provided. Collection method: clinical testing. Allele origin: germline.
Comment: This variant is classified as likely benign based on ACMG/AMP sequence variant interpretation guidelines (Richards et al. 2015 PMID: 25741868, with internal and published modifications).

NM_001395656.1(ROBO2):c.389-6C>A

Gene: ROBO2 (roundabout guidance receptor 2; plus strand). Cytogenetic location: 3p12.3.
Variant type: single nucleotide variant.
Coding change: c.389-6C>A on transcript NM_001395656.1 (MANE Select); 6 bases into the intron before coding-DNA position 389, C replaced by A.
Molecular consequence: intron variant.
Genome position (GRCh38, 1-based): chr3:77,477,408, C>A. VCF-style: chr3-77477408-C-A. GRCh37 (hg19) VCF-style: chr3-77526559-C-A.
Other names: c.437-6C>A (NM_001378191.1, NM_001378195.1, NM_001378196.1 and 5 more transcripts); c.458-6C>A (NM_001394213.1, NM_001378192.1, NM_001378198.1 and 5 more transcripts); c.389-6C>A (NM_001290040.2, NM_001290039.2, NM_001378202.1 and 3 more transcripts); c.-1530-6C>A (NM_001290065.2).
Identifiers: ClinVar variation 3042679 (VCV003042679.2), dbSNP rs1037093362, ClinGen allele CA2577823869.